The following is an entry in ClinVar:

ClinVar aggregate classification (germline): Uncertain significance (1 of 4 stars; one submission).

Submission:

Ambry Genetics
Classification: Uncertain significance. Last evaluated: 2023-09-16. Review status: criteria provided, single submitter. Criteria: Ambry Variant Classification Scheme 2023. Collection method: clinical testing. Allele origin: germline.
Comment: The p.A499G variant (also known as c.1496C>G), located in coding exon 13 of the BUB1 gene, results from a C to G substitution at nucleotide position 1496. The alanine at codon 499 is replaced by glycine, an amino acid with similar properties. This amino acid position is conserved. In addition, this alteration is predicted to be tolerated by in silico analysis. Since supporting evidence is limited at this time, the clinical significance of this alteration remains unclear.

NM_004336.5(BUB1):c.1496C>G (p.Ala499Gly)

Gene: BUB1 (BUB1 mitotic checkpoint serine/threonine kinase; minus strand). Cytogenetic location: 2q13.
Variant type: single nucleotide variant.
Coding change: c.1496C>G on transcript NM_004336.5 (MANE Select); coding-DNA position 1496, C replaced by G.
Protein change: p.Ala499Gly; replaces alanine 499 with glycine.
Molecular consequence: missense variant.
Genome position (GRCh38, 1-based): chr2:110,658,430, G>C on the plus strand (C>G on the coding strand, the complement: BUB1 is on the minus strand). VCF-style: chr2-110658430-G-C. GRCh37 (hg19) VCF-style: chr2-111416007-G-C.
Other names: c.1436C>G, p.Ala479Gly (NM_001278616.2); c.1496C>G, p.Ala499Gly (NM_001278617.2); short protein forms A479G, A499G.
Identifiers: ClinVar variation 1773892 (VCV001773892.2), dbSNP rs772080082, ClinGen allele CA348212279.